The following is an entry in ClinVar:

ClinVar aggregate classification (germline): Conflicting classifications of pathogenicity. Review status: criteria provided, conflicting classifications (1 of 4 stars). 2 submissions from 2 submitters: Uncertain significance (1); Likely benign (1). Last evaluated 2025-03-01.

Conditions:
Intellectual developmental disorder 61. Also called: INTELLECTUAL DEVELOPMENTAL DISORDER, AUTOSOMAL DOMINANT 61; MENTAL RETARDATION, AUTOSOMAL DOMINANT 61. Identifiers: MedGen C5231400, MONDO:0032485, OMIM 618009.

Allele frequency attached by ClinVar (database versions not stated): gnomAD exomes 0.00002; ExAC 0.00003; gnomAD 0.00003; TOPMed 0.00003.
gnomAD v4.1: 28 of 1,613,684 alleles (0.0017%); highest among the groups gnomAD compares: South Asian, 0.0022%; no homozygotes.

Submissions (2):

CeGaT Center for Human Genetics Tuebingen
Classification: Likely benign. Last evaluated: 2025-03-01. Review status: criteria provided, single submitter. Criteria: CeGaT Center For Human Genetics Tuebingen Variant Classification Criteria Version 2. Collection method: clinical testing. Allele origin: germline. Affected: yes. Observed: 1 variant allele.
Comment: MED13: BP4

Human Genetics Bochum, Ruhr University Bochum
Classification: Uncertain significance for Intellectual developmental disorder 61. Last evaluated: 2023-06-02. Review status: criteria provided, single submitter. Criteria: ACMG Guidelines, 2015. Collection method: clinical testing. Allele origin: germline. Affected: yes.
Comment: ACMG criteria used to clasify this variant: PP3

NM_005121.3(MED13):c.958A>G (p.Met320Val)

Gene: MED13 (mediator complex subunit 13; minus strand). Cytogenetic location: 17q23.2.
Variant type: single nucleotide variant.
Coding change: c.958A>G on transcript NM_005121.3 (MANE Select); coding-DNA position 958, A replaced by G.
Protein change: p.Met320Val; replaces methionine 320 with valine.
Molecular consequence: missense variant.
Genome position (GRCh38, 1-based): chr17:62,031,495, T>C on the plus strand (A>G on the coding strand, the complement: MED13 is on the minus strand). VCF-style: chr17-62031495-T-C. GRCh37 (hg19) VCF-style: chr17-60108856-T-C.
Other names: short protein forms M320V.
Identifiers: ClinVar variation 3027434 (VCV003027434.8), dbSNP rs745772634, ClinGen allele CA8693185.